The following is an entry in ClinVar:

ClinVar aggregate classification (germline): Conflicting classifications of pathogenicity. Review status: criteria provided, conflicting classifications (1 of 4 stars). 4 submissions from 4 submitters: Uncertain significance (2); Likely benign (1). 1 of the submissions does not count toward it. Last evaluated 2025-06-09.

Conditions:
EP300-related disorder. Also called: EP300-related condition; EP300-related disorders.
Inborn genetic diseases. Identifiers: MedGen C0950123, MeSH D030342.

Allele frequency attached by ClinVar (database versions not stated): gnomAD 0.00001; gnomAD exomes 0.00001; TOPMed 0.00001; ExAC 0.00002.
gnomAD v4.1: 15 of 1,614,082 alleles (0.00093%); highest among the groups gnomAD compares: Middle Eastern, 0.016%; no homozygotes.

Submissions (4):

Ambry Genetics
Classification: Likely benign for Inborn genetic diseases. Last evaluated: 2025-06-09. Review status: criteria provided, single submitter. Criteria: Ambry Variant Classification Scheme 2023. Collection method: clinical testing. Allele origin: germline.

CeGaT Center for Human Genetics Tuebingen
Classification: Uncertain significance. Last evaluated: 2024-08-01. Review status: criteria provided, single submitter. Criteria: CeGaT Center For Human Genetics Tuebingen Variant Classification Criteria Version 2. Collection method: clinical testing. Allele origin: germline. Affected: yes. Observed: 1 variant allele.
Comment: EP300: PP3

GeneDx
Classification: Uncertain significance. Last evaluated: 2022-12-19. Review status: criteria provided, single submitter. Criteria: GeneDx Variant Classification Process June 2021. Collection method: clinical testing. Allele origin: germline. Affected: yes.
Comment: In silico analysis supports that this missense variant has a deleterious effect on protein structure/function; Has not been previously published as pathogenic or benign to our knowledge

PreventionGenetics, part of Exact Sciences
Classification: Uncertain significance for EP300-related condition. Last evaluated: 2024-09-04. Review status: no assertion criteria provided. Collection method: clinical testing. Allele origin: germline. Not counted in ClinVar's aggregate classification.
Comment: The EP300 c.4118T>G variant is predicted to result in the amino acid substitution p.Phe1373Cys. To our knowledge, this variant has not been reported in the literature. This variant is reported in 0.0035% of alleles in individuals of European (Non-Finnish) descent in gnomAD. At this time, the clinical significance of this variant is uncertain due to the absence of conclusive functional and genetic evidence.

NM_001429.4(EP300):c.4118T>G (p.Phe1373Cys)

Gene: EP300 (EP300 lysine acetyltransferase; plus strand). Cytogenetic location: 22q13.2.
Variant type: single nucleotide variant.
Coding change: c.4118T>G on transcript NM_001429.4 (MANE Select); coding-DNA position 4118, T replaced by G.
Protein change: p.Phe1373Cys; replaces phenylalanine 1373 with cysteine.
Molecular consequence: missense variant.
Genome position (GRCh38, 1-based): chr22:41,168,813, T>G. VCF-style: chr22-41168813-T-G. GRCh37 (hg19) VCF-style: chr22-41564817-T-G.
Other names: c.4040T>G, p.Phe1347Cys (NM_001362843.2); short protein forms F1347C, F1373C.
Identifiers: ClinVar variation 2505619 (VCV002505619.17), dbSNP rs768757244, ClinGen allele CA10253334.